The following is an entry in ClinVar:

NM_006009.4(TUBA1A):c.581C>T (p.Thr194Ile)

Gene: TUBA1A (tubulin alpha 1a; minus strand). Cytogenetic location: 12q13.12.
Variant type: single nucleotide variant.
Coding change: c.581C>T on transcript NM_006009.4 (MANE Select); coding-DNA position 581, C replaced by T.
Protein change: p.Thr194Ile; replaces threonine 194 with isoleucine.
Molecular consequence: missense variant.
Genome position (GRCh38, 1-based): chr12:49,185,785, G>A on the plus strand (C>T on the coding strand, the complement: TUBA1A is on the minus strand). VCF-style: chr12-49185785-G-A. GRCh37 (hg19) VCF-style: chr12-49579568-G-A.
Other names: c.581C>T, p.Thr194Ile (NM_001270399.2); c.476C>T, p.Thr159Ile (NM_001270400.2); short protein forms T159I, T194I.
Identifiers: ClinVar variation 1306966 (VCV001306966.2), dbSNP rs1397581823, ClinGen allele CA384641591.

ClinVar aggregate classification (germline): Uncertain significance (1 of 4 stars; one submission).

Submission:

GeneDx
Classification: Uncertain significance. Last evaluated: 2019-07-12. Review status: criteria provided, single submitter. Criteria: GeneDx Variant Classification Process June 2021. Collection method: clinical testing. Allele origin: germline. Affected: yes.
Comment: The majority of missense variants in this gene are considered pathogenic (Stenson et al., 2014); In silico analysis, which includes protein predictors and evolutionary conservation, supports a deleterious effect; No data available from control populations to assess the frequency of this variant; Has not been previously published as pathogenic or benign to our knowledge